The following is an entry in ClinVar:

NM_030665.4(RAI1):c.73T>A (p.Ser25Thr)

Gene: RAI1 (retinoic acid induced 1; plus strand). Cytogenetic location: 17p11.2.
Variant type: single nucleotide variant.
Coding change: c.73T>A on transcript NM_030665.4 (MANE Select); coding-DNA position 73, T replaced by A.
Protein change: p.Ser25Thr; replaces serine 25 with threonine.
Molecular consequence: missense variant.
Genome position (GRCh38, 1-based): chr17:17,793,021, T>A. VCF-style: chr17-17793021-T-A. GRCh37 (hg19) VCF-style: chr17-17696335-T-A.
Other names: c.73T>A (NM_030665.3); short protein forms S25T.
Identifiers: ClinVar variation 1560497 (VCV001560497.9), dbSNP rs891764320, ClinGen allele CA288366761.

ClinVar aggregate classification (germline): Likely benign. Review status: criteria provided, single submitter (1 of 4 stars). 2 submissions from 2 submitters: Likely benign (1). 1 of the submissions does not count toward it. Last evaluated 2024-01-29.

Conditions:
RAI1-related disorder. Also called: RAI1-related condition.

Allele frequency attached by ClinVar (database versions not stated): TOPMed 0.00002; gnomAD 0.00003.
gnomAD v4.1: 14 of 1,613,692 alleles (0.00087%); highest among the groups gnomAD compares: Non-Finnish European, 0.0012%; no homozygotes.

Submissions (2):

Labcorp Genetics (formerly Invitae), Labcorp
Classification: Likely benign. Last evaluated: 2024-01-29. Review status: criteria provided, single submitter. Criteria: Invitae Variant Classification Sherloc (09022015). Collection method: clinical testing. Allele origin: germline.

PreventionGenetics, part of Exact Sciences
Classification: Uncertain significance for RAI1-related condition. Last evaluated: 2024-03-06. Review status: no assertion criteria provided. Collection method: clinical testing. Allele origin: germline. Not counted in ClinVar's aggregate classification.
Comment: The RAI1 c.73T>A variant is predicted to result in the amino acid substitution p.Ser25Thr. To our knowledge, this variant has not been reported in the literature. This variant is reported in 0.013% of alleles in individuals of European (Non-Finnish) descent in gnomAD. At this time, the clinical significance of this variant is uncertain due to the absence of conclusive functional and genetic evidence.